The following is an entry in ClinVar:

NM_001128178.3(NPHP1):c.1891G>T (p.Val631Phe)

Gene: NPHP1 (nephrocystin 1; minus strand). Cytogenetic location: 2q13.
Variant type: single nucleotide variant.
Coding change: c.1891G>T on transcript NM_001128178.3 (MANE Select); coding-DNA position 1891, G replaced by T.
Protein change: p.Val631Phe; replaces valine 631 with phenylalanine.
Molecular consequence: missense variant. On other transcripts: 3 prime UTR variant (1).
Genome position (GRCh38, 1-based): chr2:110,123,934, C>A on the plus strand (G>T on the coding strand, the complement: NPHP1 is on the minus strand). VCF-style: chr2-110123934-C-A. GRCh37 (hg19) VCF-style: chr2-110881511-C-A.
Other names: c.1702G>T, p.Val568Phe (NM_001128179.3); c.1888G>T, p.Val630Phe (NM_001374256.1); c.*133G>T (NM_001374257.1); c.2059G>T, p.Val687Phe (NM_000272.5); c.2056G>T, p.Val686Phe (NM_207181.4); short protein forms V686F, V687F, V568F, V630F, V631F.
Identifiers: ClinVar variation 1965647 (VCV001965647.2), dbSNP rs1486711364, ClinGen allele CA348086105.

ClinVar aggregate classification (germline): Uncertain significance (1 of 4 stars; one submission).

Conditions:
Nephronophthisis. Also called: Juvenile Nephronophthisis. Identifiers: Orphanet 655, MedGen C0687120, MONDO:0019005, HP:0000090.

Submission:

Labcorp Genetics (formerly Invitae), Labcorp
Classification: Uncertain significance for Nephronophthisis. Last evaluated: 2021-12-08. Review status: criteria provided, single submitter. Criteria: Invitae Variant Classification Sherloc (09022015). Collection method: clinical testing. Allele origin: germline.
Comment: This sequence change replaces valine, which is neutral and non-polar, with phenylalanine, which is neutral and non-polar, at codon 687 of the NPHP1 protein (p.Val687Phe). This variant is not present in population databases (gnomAD no frequency). This variant has not been reported in the literature in individuals affected with NPHP1-related conditions. Algorithms developed to predict the effect of missense changes on protein structure and function output the following: SIFT: "Tolerated"; PolyPhen-2: "Benign"; Align-GVGD: "Class C0". The phenylalanine amino acid residue is found in multiple mammalian species, which suggests that this missense change does not adversely affect protein function. In summary, the available evidence is currently insufficient to determine the role of this variant in disease. Therefore, it has been classified as a Variant of Uncertain Significance.